The following is an entry in ClinVar:

ClinVar aggregate classification (germline): Pathogenic (1 of 4 stars; one submission).

Submission:

Labcorp Genetics (formerly Invitae), Labcorp
Classification: Pathogenic. Last evaluated: 2023-02-28. Review status: criteria provided, single submitter. Criteria: Invitae Variant Classification Sherloc (09022015). Collection method: clinical testing. Allele origin: germline.
Comment: For these reasons, this variant has been classified as Pathogenic. This variant has not been reported in the literature in individuals affected with DUOX2-related conditions. This variant is not present in population databases (gnomAD no frequency). This sequence change creates a premature translational stop signal (p.Phe851Serfs*2) in the DUOX2 gene. It is expected to result in an absent or disrupted protein product. Loss-of-function variants in DUOX2 are known to be pathogenic (PMID: 12110737, 18765513, 21565790, 24423310, 24735383).

Literature cited by the submitters: PubMed 12110737; PubMed 18765513; PubMed 21565790; PubMed 24423310; PubMed 24735383.

NM_001363711.2(DUOX2):c.2552del (p.Phe851fs)

Gene: DUOX2 (dual oxidase 2; minus strand). Cytogenetic location: 15q21.1.
Variant type: Deletion.
Coding change: c.2552del on transcript NM_001363711.2 (MANE Select); coding-DNA position 2552, one base deleted (T; older notation c.2552delT).
Protein change: p.Phe851fs; shifts the reading frame from phenylalanine 851.
Molecular consequence: frameshift variant.
Genome position (GRCh38, 1-based): chr15:45,104,148, A deleted on the plus strand (T on the coding strand, the reverse complement: DUOX2 is on the minus strand); the first of 2 consecutive A bases (chr15:45,104,148-45,104,149); deleting either gives the same sequence. VCF-style (leftmost placement, unchanged base first): chr15-45104147-GA-G. GRCh37 (hg19) VCF-style: chr15-45396345-GA-G.
Other names: c.2552del, p.Phe851fs (NM_014080.5); short protein forms F851fs.
Identifiers: ClinVar variation 2841558 (VCV002841558.3), dbSNP rs2504761251, ClinGen allele CA2739279342.